The following is an entry in ClinVar:

ClinVar aggregate classification (germline): Likely pathogenic (3 of 4 stars; one submission).

Conditions:
Phenylketonuria (PKU). Also called: OLIGOPHRENIA PHENYLPYRUVICA; Phenylketonuria (PKU); Phenylketonurias; FOLLING DISEASE. Identifiers: Orphanet 716, MedGen C0031485, MONDO:0009861, OMIM 261600. Disease mechanism: loss of function.

Submission:

ClinGen PAH Variant Curation Expert Panel
Classification: Likely pathogenic for Phenylketonuria. Last evaluated: 2020-10-16. Review status: reviewed by expert panel. Criteria: ClinGen PAH ACMG Specifications v1. Collection method: curation. Allele origin: germline. Inheritance: Autosomal recessive inheritance.
Comment: BH4 enzyme deficiency was ruled out by analysis of urinary pterins and DHPR activity. This variant is observed with pathogenic variant c.611A>G, phase is unknown (PMID: 28754886). The variant is absent from controls in population databases. This in-frame deletion changes the protein length in a non-repeat region. In summary, this variant meets criteria to be classified as likely pathogenic for PAH. PAH-specific ACMG/AMP criteria applied: PM2, PM4, PP4_moderate, and PM3_supporting.

Literature cited by the submitters: PubMed 28754886.

NM_000277.3(PAH):c.540GGA[1] (p.Glu183del)

Gene: PAH (phenylalanine hydroxylase; minus strand). Cytogenetic location: 12q23.2.
Variant type: Microsatellite.
Coding change: c.540GGA[1] on transcript NM_000277.3 (MANE Select); one copy of the 3-base unit GGA starting at c.540; the reference has two copies in a row; one copy, 3 bases deleted.
Protein change: p.Glu183del; deletes glutamic acid 183.
Molecular consequence: inframe deletion.
Genome position (GRCh38, 1-based): chr12:102,855,297-102,855,299, TCC deleted on the plus strand (GGA on the coding strand, the reverse complement: PAH is on the minus strand); deleting any 3 consecutive bases within chr12:102,855,297-102,855,302 gives the same sequence; the position shown is the placement nearest the transcript's 3' end. VCF-style (leftmost placement, unchanged base first): chr12-102855296-TTCC-T. GRCh37 (hg19) VCF-style: chr12-103249074-TTCC-T.
Other names: c.540GGA[1], p.Glu183del (NM_001354304.2); short protein forms E183del.
Identifiers: ClinVar variation 987763 (VCV000987763.1), dbSNP rs1875372846, ClinGen allele CA1139532590.